The following is an entry in ClinVar:

NM_022552.5(DNMT3A):c.892G>C (p.Gly298Arg)

Gene: DNMT3A (DNA methyltransferase 3 alpha; minus strand). Cytogenetic location: 2p23.3.
Variant type: single nucleotide variant.
Coding change: c.892G>C on transcript NM_022552.5 (MANE Select); coding-DNA position 892, G replaced by C.
Protein change: p.Gly298Arg; replaces glycine 298 with arginine.
Molecular consequence: missense variant. On other transcripts: non-coding transcript variant (1).
Genome position (GRCh38, 1-based): chr2:25,247,713, C>G on the plus strand (G>C on the coding strand, the complement: DNMT3A is on the minus strand). VCF-style: chr2-25247713-C-G. GRCh37 (hg19) VCF-style: chr2-25470582-C-G.
Other names: c.436G>C, p.Gly146Arg (NM_001320893.1); c.223G>C, p.Gly75Arg (NM_001375819.1); c.325G>C, p.Gly109Arg (NM_153759.3); c.892G>C, p.Gly298Arg (NM_175629.2); short protein forms G109R, G146R, G298R, G75R.
Identifiers: ClinVar variation 3343895 (VCV003343895.1).

ClinVar aggregate classification (germline): Pathogenic (1 of 4 stars; one submission).

gnomAD v4.1: 1 of 1,613,460 alleles (0.000062%); highest among the groups gnomAD compares: Non-Finnish European, 0.000085%; no homozygotes.

Submission:

GeneDx
Classification: Pathogenic. Last evaluated: 2024-01-08. Review status: criteria provided, single submitter. Criteria: GeneDx Variant Classification Process June 2021. Collection method: clinical testing. Allele origin: germline. Affected: yes.
Comment: Not observed at significant frequency in large population cohorts (gnomAD); In silico analysis supports that this missense variant has a deleterious effect on protein structure/function; Has not been previously published as pathogenic or benign to our knowledge; This variant is associated with the following publications: (PMID: 29900417)